The following is an entry in ClinVar:

NM_001903.5(CTNNA1):c.1015G>A (p.Ala339Thr)

Gene: CTNNA1 (catenin alpha 1; plus strand). Cytogenetic location: 5q31.2.
Variant type: single nucleotide variant.
Coding change: c.1015G>A on transcript NM_001903.5 (MANE Select); coding-DNA position 1015, G replaced by A.
Protein change: p.Ala339Thr; replaces alanine 339 with threonine.
Molecular consequence: missense variant.
Genome position (GRCh38, 1-based): chr5:138,827,671, G>A. VCF-style: chr5-138827671-G-A. GRCh37 (hg19) VCF-style: chr5-138163360-G-A.
Other names: c.1015G>A, p.Ala339Thr (NM_001290307.3, NM_001323982.2, NM_001323983.1 and 3 more transcripts); c.706G>A, p.Ala236Thr (NM_001290309.3); c.646G>A, p.Ala216Thr (NM_001290310.3); short protein forms A236T, A339T, A216T.
Identifiers: ClinVar variation 3837160 (VCV003837160.1).

ClinVar aggregate classification (germline): Uncertain significance (1 of 4 stars; one submission).

Conditions:
Hereditary cancer-predisposing syndrome. Also called: Hereditary neoplastic syndrome; Neoplastic Syndromes, Hereditary; Tumor predisposition; Hereditary Cancer Syndrome. Identifiers: Orphanet 140162, MedGen C0027672, MeSH D009386, MONDO:0015356.

Submission:

Ambry Genetics
Classification: Uncertain significance for Hereditary cancer-predisposing syndrome. Last evaluated: 2024-12-20. Review status: criteria provided, single submitter. Criteria: Ambry Variant Classification Scheme 2023. Collection method: clinical testing. Allele origin: germline.
Comment: The p.A339T variant (also known as c.1015G>A), located in coding exon 6 of the CTNNA1 gene, results from a G to A substitution at nucleotide position 1015. The alanine at codon 339 is replaced by threonine, an amino acid with similar properties. This amino acid position is conserved. In addition, this alteration is predicted to be tolerated by in silico analysis. Based on the available evidence, the clinical significance of this variant remains unclear.